The following is an entry in ClinVar:

NM_024675.4(PALB2):c.2350A>T (p.Lys784Ter)

Gene: PALB2 (partner and localizer of BRCA2; minus strand). Cytogenetic location: 16p12.2.
Variant type: single nucleotide variant.
Coding change: c.2350A>T on transcript NM_024675.4 (MANE Select); coding-DNA position 2350, A replaced by T.
Protein change: p.Lys784Ter; replaces lysine 784 with a stop codon.
Molecular consequence: nonsense.
Genome position (GRCh38, 1-based): chr16:23,629,804, T>A on the plus strand (A>T on the coding strand, the complement: PALB2 is on the minus strand). VCF-style: chr16-23629804-T-A. GRCh37 (hg19) VCF-style: chr16-23641125-T-A.
Other names: c.2350A>T (NM_024675.3); short protein forms K784*.
Identifiers: ClinVar variation 1455414 (VCV001455414.12), dbSNP rs1833331932, ClinGen allele CA395124880.

ClinVar aggregate classification (germline): Pathogenic/Likely pathogenic. Review status: criteria provided, multiple submitters, no conflicts (2 of 4 stars). 4 submissions from 4 submitters: Pathogenic (3); Likely pathogenic (1). Last evaluated 2025-10-02.

Conditions:
Hereditary cancer-predisposing syndrome. Also called: Tumor predisposition; Neoplastic Syndromes, Hereditary; Hereditary Cancer Syndrome; Hereditary neoplastic syndrome. Identifiers: Orphanet 140162, MedGen C0027672, MeSH D009386, MONDO:0015356.
Familial cancer of breast. Also called: Hereditary breast cancer; hereditary breast carcinoma; BREAST CANCER, FAMILIAL. Identifiers: Orphanet 227535, MedGen C0346153, MONDO:0016419, OMIM 114480. Disease mechanism: loss of function.

Submissions (4):

Labcorp Genetics (formerly Invitae), Labcorp
Classification: Pathogenic for Familial cancer of breast. Last evaluated: 2025-10-02. Review status: criteria provided, single submitter. Criteria: Invitae Variant Classification Sherloc (09022015). Collection method: clinical testing. Allele origin: germline.
Comment: This sequence change creates a premature translational stop signal (p.Lys784*) in the PALB2 gene. It is expected to result in an absent or disrupted protein product. Loss-of-function variants in PALB2 are known to be pathogenic (PMID: 17200668, 17200671, 17200672, 24136930, 25099575). This variant is not present in population databases (gnomAD no frequency). This variant has not been reported in the literature in individuals affected with PALB2-related conditions. ClinVar contains an entry for this variant (Variation ID: 1455414). For these reasons, this variant has been classified as Pathogenic.

Ambry Genetics
Classification: Pathogenic for Hereditary cancer-predisposing syndrome. Last evaluated: 2024-02-12. Review status: criteria provided, single submitter. Criteria: Ambry Variant Classification Scheme 2023. Collection method: clinical testing. Allele origin: germline.
Comment: The p.K784* pathogenic mutation (also known as c.2350A>T), located in coding exon 5 of the PALB2 gene, results from an A to T substitution at nucleotide position 2350. This changes the amino acid from a lysine to a stop codon within coding exon 5. This variant is considered to be rare based on population cohorts in the Genome Aggregation Database (gnomAD). This alteration is expected to result in loss of function by premature protein truncation or nonsense-mediated mRNA decay. As such, this alteration is interpreted as a disease-causing mutation.

Myriad Genetics, Inc.
Classification: Pathogenic for Familial cancer of breast. Last evaluated: 2023-09-12. Review status: criteria provided, single submitter. Criteria: Myriad Autosomal Dominant, Autosomal Recessive and X-Linked Classification Criteria (2023). Collection method: clinical testing. Allele origin: unknown.
Comment: This variant is considered pathogenic. This variant creates a termination codon and is predicted to result in premature protein truncation.

Revvity Omics, Revvity
Classification: Likely pathogenic. Last evaluated: 2022-01-11. Review status: criteria provided, single submitter. Criteria: ACMG Guidelines, 2015. Collection method: clinical testing. Allele origin: germline.

Literature cited by the submitters: PubMed 17200668 (cited by Labcorp Genetics (formerly Invitae), Labcorp); PubMed 17200671 (cited by Labcorp Genetics (formerly Invitae), Labcorp); PubMed 17200672 (cited by Labcorp Genetics (formerly Invitae), Labcorp); PubMed 24136930 (cited by Labcorp Genetics (formerly Invitae), Labcorp); PubMed 25099575 (cited by Labcorp Genetics (formerly Invitae), Labcorp).